The following is an entry in ClinVar:

ClinVar aggregate classification (germline): Likely pathogenic. Review status: criteria provided, multiple submitters, no conflicts (2 of 4 stars). 2 submissions from 2 submitters: Likely pathogenic (2). Last evaluated 2025-08-04.

Conditions:
Granulomatous disease, chronic, X-linked. Also called: CYTOCHROME b-NEGATIVE GRANULOMATOUS DISEASE, CHRONIC, X-LINKED; GRANULOMATOUS DISEASE, CHRONIC, X-LINKED, SOMATIC MOSAIC. Identifiers: Orphanet 379, MedGen C1844376, MONDO:0010600, OMIM 306400.

Submissions (2):

Labcorp Genetics (formerly Invitae), Labcorp
Classification: Likely pathogenic for Granulomatous disease, chronic, X-linked. Last evaluated: 2025-08-04. Review status: criteria provided, single submitter. Criteria: Invitae Variant Classification Sherloc (09022015). Collection method: clinical testing. Allele origin: germline.
Comment: This sequence change replaces serine, which is neutral and polar, with proline, which is neutral and non-polar, at codon 142 of the CYBB protein (p.Ser142Pro). This variant is not present in population databases (gnomAD no frequency). This missense change has been observed in individuals with chronic granulomatous disease (PMID: 11162142, 20729109). This variant is also known as 436T>C (142 Ser>Pro). ClinVar contains an entry for this variant (Variation ID: 1504854). Invitae Evidence Modeling of protein sequence and biophysical properties (such as structural, functional, and spatial information, amino acid conservation, physicochemical variation, residue mobility, and thermodynamic stability) indicates that this missense variant is expected to disrupt CYBB protein function with a positive predictive value of 95%. This variant disrupts the p.Ser142 amino acid residue in CYBB. Other variant(s) that disrupt this residue have been observed in individuals with CYBB-related conditions (PMID: 15454837), which suggests that this may be a clinically significant amino acid residue. In summary, the currently available evidence indicates that the variant is pathogenic, but additional data are needed to prove that conclusively. Therefore, this variant has been classified as Likely Pathogenic.

CeGaT Center for Human Genetics Tuebingen
Classification: Likely pathogenic. Last evaluated: 2024-09-01. Review status: criteria provided, single submitter. Criteria: CeGaT Center For Human Genetics Tuebingen Variant Classification Criteria Version 2. Collection method: clinical testing. Allele origin: germline. Affected: yes. Observed: 1 variant allele.
Comment: CYBB: PM2, PM5, PS4:Moderate

Literature cited by the submitters: PubMed 11162142 (cited by Labcorp Genetics (formerly Invitae), Labcorp); PubMed 20729109 (cited by Labcorp Genetics (formerly Invitae), Labcorp); PubMed 15454837 (cited by Labcorp Genetics (formerly Invitae), Labcorp).

NM_000397.4(CYBB):c.424T>C (p.Ser142Pro)

Gene: CYBB (cytochrome b-245 beta chain; plus strand). Cytogenetic location: Xp21.1.
Variant type: single nucleotide variant.
Coding change: c.424T>C on transcript NM_000397.4 (MANE Select); coding-DNA position 424, T replaced by C.
Protein change: p.Ser142Pro; replaces serine 142 with proline.
Molecular consequence: missense variant.
Genome position (GRCh38, 1-based): chrX:37,793,751, T>C. VCF-style: chrX-37793751-T-C. GRCh37 (hg19) VCF-style: chrX-37653004-T-C.
Other names: short protein forms S142P.
Identifiers: ClinVar variation 1504854 (VCV001504854.20), dbSNP rs2146810272, ClinGen allele CA412975338.
Genomic context (GRCh38, chrX:37,793,751, plus strand): 5'-AATGTGGAATGGTGTGTGAATGCCCGAGTCAATAATTCTGATCCTTATTCAGTAGCACTC[T>C]CTGAACTTGGAGACAGGCAAAATGAAAGTTATCTCAATTTTGCTCGAAAGAGAATAAAGG-3'
Protein context (NP_000388.2, residues 132-152): NNSDPYSVAL[Ser142Pro]ELGDRQNESY